The following is an entry in ClinVar:

NM_003070.5(SMARCA2):c.4282A>G (p.Ile1428Val)

Gene: SMARCA2 (SWI/SNF related BAF chromatin remodeling complex subunit ATPase 2; plus strand). Cytogenetic location: 9p24.3.
Variant type: single nucleotide variant.
Coding change: c.4282A>G on transcript NM_003070.5 (MANE Select); coding-DNA position 4282, A replaced by G.
Protein change: p.Ile1428Val; replaces isoleucine 1428 with valine.
Molecular consequence: missense variant.
Genome position (GRCh38, 1-based): chr9:2,181,599, A>G. VCF-style: chr9-2181599-A-G. GRCh37 (hg19) VCF-style: chr9-2181599-A-G.
Other names: c.4282A>G, p.Ile1428Val (NM_001289396.2); c.4054A>G, p.Ile1352Val (NM_001289397.2); c.256A>G, p.Ile86Val (NM_001289398.2); c.340A>G, p.Ile114Val (NM_001289399.2); c.346A>G, p.Ile116Val (NM_001289400.2); c.4228A>G, p.Ile1410Val (NM_139045.4); short protein forms I114V, I116V, I1352V, I1410V, I1428V, I86V.
Identifiers: ClinVar variation 3363664 (VCV003363664.2).

ClinVar aggregate classification (germline): Likely benign (1 of 4 stars; one submission).

Submission:

GeneDx
Classification: Likely benign. Last evaluated: 2024-12-17. Review status: criteria provided, single submitter. Criteria: GeneDx Variant Classification Process June 2021. Collection method: clinical testing. Allele origin: germline.
Comment: See Variant Classification Assertion Criteria.